The following is an entry in ClinVar:

NM_000516.7(GNAS):c.306G>T (p.Ala102=)

Gene: GNAS (GNAS complex locus; plus strand). Cytogenetic location: 20q13.32.
Variant type: single nucleotide variant.
Coding change: c.306G>T on transcript NM_000516.7 (MANE Select); coding-DNA position 306, G replaced by T.
Protein change: p.Ala102=; no amino-acid change (alanine 102 retained).
Molecular consequence: synonymous variant. On other transcripts: 3 prime UTR variant (2).
Genome position (GRCh38, 1-based): chr20:58,903,579, G>T. VCF-style: chr20-58903579-G-T. GRCh37 (hg19) VCF-style: chr20-57478634-G-T.
Other names: c.309G>T, p.Ala103= (NM_001077488.5); c.261G>T, p.Ala87= (NM_001077489.4); c.*167G>T (NM_001077490.3); c.129G>T, p.Ala43= (NM_001309840.2, NM_001309861.2); c.*212G>T (NM_016592.5); c.2235G>T, p.Ala745= (NM_080425.4); c.264G>T, p.Ala88= (NM_080426.4).
Identifiers: ClinVar variation 800031 (VCV000800031.9), dbSNP rs117849691, ClinGen allele CA9927028.
Genomic context (GRCh38, chr20:58,903,579, plus strand): 5'-ATCCCACTGCAGTGAGAAGGCAACCAAAGTGCAGGACATCAAAAACAACCTGAAAGAGGC[G>T]ATTGAAGTACGTGCTGGCTCCTTGTGCTGTCTGTCTTGTAGCGCCCTCCCAGCCAGTGCT-3'
Protein context (NP_000507.1, residues 92-112): VQDIKNNLKE[Ala102=]IETIVAAMSN

ClinVar aggregate classification (germline): Likely benign. Review status: criteria provided, single submitter (1 of 4 stars). 2 submissions from 2 submitters: Likely benign (1). 1 of the submissions does not count toward it. Last evaluated 2023-07-03.

Conditions:
GNAS-related disorder. Identifiers: MedGen CN380105.

gnomAD v4.1: 14 of 1,614,118 alleles (0.00087%); highest among the groups gnomAD compares: Non-Finnish European, 0.0012%; no homozygotes.

Submissions (2):

Labcorp Genetics (formerly Invitae), Labcorp
Classification: Likely benign. Last evaluated: 2023-07-03. Review status: criteria provided, single submitter. Criteria: Invitae Variant Classification Sherloc (09022015). Collection method: clinical testing. Allele origin: germline.

PreventionGenetics, part of Exact Sciences
Classification: Likely benign for GNAS-related condition. Last evaluated: 2021-12-13. Review status: no assertion criteria provided. Collection method: clinical testing. Allele origin: germline. Not counted in ClinVar's aggregate classification.
Comment: This variant is classified as likely benign based on ACMG/AMP sequence variant interpretation guidelines (Richards et al. 2015 PMID: 25741868, with internal and published modifications).